The following is an entry in ClinVar:

ClinVar aggregate classification (germline): Uncertain significance (1 of 4 stars; one submission).

Conditions:
Fanconi anemia (FA). Also called: Fanconi's anemia. Identifiers: Orphanet 84, MedGen C0015625, MeSH D005199, MONDO:0019391.

gnomAD v4.1: 2 of 1,611,404 alleles (0.00012%); highest among the groups gnomAD compares: South Asian, 0.0022%; no homozygotes.

Submission:

Labcorp Genetics (formerly Invitae), Labcorp
Classification: Uncertain significance for Fanconi anemia. Last evaluated: 2025-10-12. Review status: criteria provided, single submitter. Criteria: Invitae Variant Classification Sherloc (09022015). Collection method: clinical testing. Allele origin: germline.
Comment: This sequence change replaces proline, which is neutral and non-polar, with threonine, which is neutral and polar, at codon 1251 of the FANCD2 protein (p.Pro1251Thr). This variant is present in population databases (rs568515612, gnomAD 0.007%). This variant has not been reported in the literature in individuals affected with FANCD2-related conditions. Invitae Evidence Modeling of protein sequence and biophysical properties (such as structural, functional, and spatial information, amino acid conservation, physicochemical variation, residue mobility, and thermodynamic stability) indicates that this missense variant is not expected to disrupt FANCD2 protein function with a negative predictive value of 80%. In summary, the available evidence is currently insufficient to determine the role of this variant in disease. Therefore, it has been classified as a Variant of Uncertain Significance.

NM_001018115.3(FANCD2):c.3751C>A (p.Pro1251Thr)

Genes: FANCD2 (FA complementation group D2; plus strand), FANCD2OS (FANCD2 opposite strand; minus strand). Cytogenetic location: 3p25.3.
Variant type: single nucleotide variant.
Coding change: c.3751C>A on transcript NM_001018115.3 (MANE Select); coding-DNA position 3751, C replaced by A.
Protein change: p.Pro1251Thr; replaces proline 1251 with threonine.
Molecular consequence: missense variant. On other transcripts: intron variant (1).
Genome position (GRCh38, 1-based): chr3:10,090,359, C>A. VCF-style: chr3-10090359-C-A. GRCh37 (hg19) VCF-style: chr3-10132043-C-A.
Other names: c.3751C>A, p.Pro1251Thr (NM_001374254.1, NM_033084.6, NM_001319984.2); c.*44-8828G>T (NM_173472.2); c.3640C>A, p.Pro1214Thr (NM_001374253.1); short protein forms P1214T, P1251T.
Identifiers: ClinVar variation 4704144 (VCV004704144.1).